The following is an entry in ClinVar:

ClinVar aggregate classification (germline): Pathogenic/Likely pathogenic. Review status: criteria provided, multiple submitters, no conflicts (2 of 4 stars). 9 submissions from 8 submitters: Pathogenic (4); Likely pathogenic (3). 2 of the submissions do not count toward it. Last evaluated 2026-01-27.

Conditions:
Meckel syndrome, type 5 (MKS5). Identifiers: Orphanet 564, MedGen C1969052, MONDO:0012695, OMIM 611561.
COACH syndrome 3. Identifiers: MedGen C5436841, MONDO:0030862, OMIM 619113.
Joubert syndrome 7 (JBTS7). Identifiers: Orphanet 220497, MedGen C1969053, MONDO:0012694, OMIM 611560.
RPGRIP1L-related disorder. Also called: RPGRIP1L-related disorders; RPGRIP1L-related condition. Identifiers: MedGen CN239416.
Joubert syndrome. Also called: JOUBERT-BOLTSHAUSER SYNDROME; Familial aplasia of the vermis. Identifiers: Orphanet 475, MedGen C5979921, MONDO:0018772.
Meckel-Gruber syndrome. Also called: DYSENCEPHALIA SPLANCHNOCYSTICA; GRUBER SYNDROME; Dysencephalia splachnocystica. Identifiers: Orphanet 564, MedGen C0265215, MONDO:0018921.
COACH syndrome 1. Identifiers: Orphanet 1454, MedGen C5435651, MONDO:0800103, OMIM 216360, MONDO:0008996.

Allele frequency attached by ClinVar (database versions not stated): gnomAD exomes 0.00002; ExAC 0.00003; gnomAD 0.00005; TOPMed 0.00006.
gnomAD v4.1: 53 of 1,613,750 alleles (0.0033%); highest among the groups gnomAD compares: Non-Finnish European, 0.0041%; no homozygotes.

Submissions (9):

Labcorp Genetics (formerly Invitae), Labcorp
Classification: Pathogenic for Joubert syndrome; Meckel-Gruber syndrome. Last evaluated: 2026-01-27. Review status: criteria provided, single submitter. Criteria: Invitae Variant Classification Sherloc (09022015). Collection method: clinical testing. Allele origin: germline.
Comment: This sequence change creates a premature translational stop signal (p.Gln872*) in the RPGRIP1L gene. It is expected to result in an absent or disrupted protein product. Loss-of-function variants in RPGRIP1L are known to be pathogenic (PMID: 17558409). This variant is present in population databases (rs121918203, gnomAD 0.007%). This premature translational stop signal has been observed in individual(s) with Meckel syndrome (PMID: 17558409). ClinVar contains an entry for this variant (Variation ID: 1074). For these reasons, this variant has been classified as Pathogenic.

Natera, Inc.
Classification: Pathogenic for Joubert syndrome. Last evaluated: 2025-12-02. Review status: criteria provided, single submitter. Criteria: Natera Variant Classification Schema (03/2026). Collection method: clinical testing. Allele origin: germline.
Comment: The c.2614C>T variant in RPGRIP1L is a nonsense variant predicted to introduce a stop codon at amino acid 872. This variant is expected to result in nonsense mediated decay, truncation, or a dysfunctional protein product. This variant is rare in the general population with a frequency below the threshold expected for the associated phenotype(s). This variant has been observed in one or more individuals affected with the associated recessive disease, as either homozygous or compound heterozygous with a second variant (PMID: 17558409). Given the available evidence, this variant is classified as Pathogenic.

Fulgent Genetics
Classification: Pathogenic for Joubert syndrome 7; Meckel syndrome, type 5; COACH syndrome 3. Last evaluated: 2024-03-14. Review status: criteria provided, single submitter. Criteria: ACMG Guidelines, 2015. Collection method: clinical testing. Allele origin: germline.

Blueprint Genetics
Classification: Likely pathogenic for RPGRIP1L-related disorders. Last evaluated: 2023-05-16. Review status: criteria provided, single submitter. Criteria: ACMG Guidelines, 2015. Collection method: clinical testing. Allele origin: germline. Affected: yes. Observed: 2 variant alleles.

Laboratory for Molecular Medicine, Mass General Brigham Personalized Medicine
Classification: Likely pathogenic for Meckel-Gruber syndrome. Last evaluated: 2020-08-11. Review status: criteria provided, single submitter. Criteria: ACMG Guidelines, 2015. Collection method: clinical testing. Allele origin: germline.
Comment: This variant has also been reported in ClinVar (Variation ID 1074) and identified in 0.00004% (5/113470) of European chromosomes by gnomAD. This nonsense variant leads to a premature termination codon at position 872, which is predicted to lead to a truncated or absent protein. Please note, the exon it resides in (exon 17) is alternatively spliced out of two of seven ubiquitously expressed transcripts. Complete loss of RPGRIP1L function is an established disease mechanism in RPGRIP1L-related disorders such as Joubert syndrome and Meckel syndrome (Delous 2007). Moreover, Rpgrip1l -/- mice show a similar phenotype to individuals affected with these disorders including polydactyly, craniofacial malformations, and left-right symmetry defects (Vierkotten 2007). In summary, although additional studies are required to fully establish its clinical significance, this variant meets criteria to be classified as likely pathogenic for autosomal recessive RPGRIP1L-related disorders. ACMG/AMP criteria applied: PVS1_Strong, PM2, PM3.

Fulgent Genetics
Classification: Likely pathogenic for COACH syndrome 1; Joubert syndrome 7; Meckel syndrome, type 5. Last evaluated: 2018-10-31. Review status: criteria provided, single submitter. Criteria: ACMG Guidelines, 2015. Collection method: clinical testing. Allele origin: unknown.

Eurofins Ntd Llc (ga)
Classification: Pathogenic. Last evaluated: 2013-09-20. Review status: criteria provided, single submitter. Criteria: EGL Classification Definitions. Collection method: clinical testing. Allele origin: germline. Observed: 1 variant allele, 1 heterozygote.

PreventionGenetics, part of Exact Sciences
Classification: Pathogenic for RPGRIP1L-related condition. Last evaluated: 2024-01-30. Review status: no assertion criteria provided. Collection method: clinical testing. Allele origin: germline. Not counted in ClinVar's aggregate classification.
Comment: The RPGRIP1L c.2614C>T variant is predicted to result in premature protein termination (p.Gln872*). This variant has been reported together with another truncating variant in a fetus with phenotypic features consistent with Meckel-Gruber syndrome (Delous et al. 2007. PubMed ID: 17558409). This variant is reported in 0.0044% of alleles in individuals of European (Non-Finnish) descent in gnomAD. Nonsense variants in RPGRIP1L are expected to be pathogenic. This variant is interpreted as pathogenic.

OMIM
Classification: Pathogenic for MECKEL SYNDROME, TYPE 5. Last evaluated: 2007-07-01. Review status: no assertion criteria provided. Collection method: literature only. Allele origin: germline. Not counted in ClinVar's aggregate classification.

Literature cited by the submitters: PubMed 17558409 (cited by 4 submitters).

NM_015272.5(RPGRIP1L):c.2614C>T (p.Gln872Ter)

Gene: RPGRIP1L (RPGRIP1 like; minus strand). Cytogenetic location: 16q12.2.
Variant type: single nucleotide variant.
Coding change: c.2614C>T on transcript NM_015272.5 (MANE Select); coding-DNA position 2614, C replaced by T.
Protein change: p.Gln872Ter; replaces glutamine 872 with a stop codon.
Molecular consequence: nonsense.
Genome position (GRCh38, 1-based): chr16:53,645,694, G>A on the plus strand (C>T on the coding strand, the complement: RPGRIP1L is on the minus strand). VCF-style: chr16-53645694-G-A. GRCh37 (hg19) VCF-style: chr16-53679606-G-A.
Other names: c.2614C>T, p.Gln872Ter (NM_001127897.4, NM_001308334.3, NM_001330538.2); c.2614C>T (NM_015272.4); short protein forms Q872*.
Identifiers: ClinVar variation 1074 (VCV000001074.29), dbSNP rs121918203, ClinGen allele CA130771.